The following is an entry in ClinVar:

ClinVar aggregate classification (germline): Uncertain significance (1 of 4 stars; one submission).

Conditions:
Immunodeficiency 19 (IMD19). Also called: CD3-DELTA DEFICIENCY; SEVERE COMBINED IMMUNODEFICIENCY, T CELL-NEGATIVE, B CELL-POSITIVE, NK CELL-POSITIVE; SCID, T CELL-NEGATIVE, B CELL-POSITIVE, NK CELL-POSITIVE; IMMUNODEFICIENCY 19, SEVERE COMBINED. Identifiers: MedGen C3810147, MONDO:0014280, OMIM 615617.

Submission:

Labcorp Genetics (formerly Invitae), Labcorp
Classification: Uncertain significance for Immunodeficiency 19. Last evaluated: 2021-08-31. Review status: criteria provided, single submitter. Criteria: Invitae Variant Classification Sherloc (09022015). Collection method: clinical testing. Allele origin: germline.
Comment: This sequence change replaces histidine with leucine at codon 128 of the CD3D protein (p.His128Leu). The histidine residue is highly conserved and there is a moderate physicochemical difference between histidine and leucine. This variant is not present in population databases (ExAC no frequency). This variant has not been reported in the literature in individuals affected with CD3D-related conditions. Algorithms developed to predict the effect of missense changes on protein structure and function are either unavailable or do not agree on the potential impact of this missense change (SIFT: "Deleterious"; PolyPhen-2: "Possibly Damaging"; Align-GVGD: "Class C15"). In summary, the available evidence is currently insufficient to determine the role of this variant in disease. Therefore, it has been classified as a Variant of Uncertain Significance.

NM_000732.6(CD3D):c.383A>T (p.His128Leu)

Gene: CD3D (CD3 delta subunit of T-cell receptor complex; minus strand). Cytogenetic location: 11q23.3.
Variant type: single nucleotide variant.
Coding change: c.383A>T on transcript NM_000732.6 (MANE Select); coding-DNA position 383, A replaced by T.
Protein change: p.His128Leu; replaces histidine 128 with leucine.
Molecular consequence: missense variant. On other transcripts: intron variant (1).
Genome position (GRCh38, 1-based): chr11:118,339,798, T>A on the plus strand (A>T on the coding strand, the complement: CD3D is on the minus strand). VCF-style: chr11-118339798-T-A. GRCh37 (hg19) VCF-style: chr11-118210513-T-A.
Other names: c.275-304A>T (NM_001040651.2); short protein forms H128L.
Identifiers: ClinVar variation 1375889 (VCV001375889.5), dbSNP rs2134059318, ClinGen allele CA382788108.